The following is an entry in ClinVar:

NM_000400.4(ERCC2):c.1672C>T (p.Leu558Phe)

Gene: ERCC2 (ERCC excision repair 2, TFIIH core complex helicase subunit; minus strand). Cytogenetic location: 19q13.32.
Variant type: single nucleotide variant.
Coding change: c.1672C>T on transcript NM_000400.4 (MANE Select); coding-DNA position 1672, C replaced by T.
Protein change: p.Leu558Phe; replaces leucine 558 with phenylalanine.
Molecular consequence: missense variant.
Genome position (GRCh38, 1-based): chr19:45,353,328, G>A on the plus strand (C>T on the coding strand, the complement: ERCC2 is on the minus strand). VCF-style: chr19-45353328-G-A. GRCh37 (hg19) VCF-style: chr19-45856586-G-A.
Other names: short protein forms L558F.
Identifiers: ClinVar variation 1777728 (VCV001777728.2), dbSNP rs2514002928, ClinGen allele CA406364537.

ClinVar aggregate classification (germline): Uncertain significance (1 of 4 stars; one submission).

Conditions:
Inborn genetic diseases. Identifiers: MedGen C0950123, MeSH D030342.

Submission:

Ambry Genetics
Classification: Uncertain significance for Inborn genetic diseases. Last evaluated: 2022-08-24. Review status: criteria provided, single submitter. Criteria: Ambry Variant Classification Scheme 2023. Collection method: clinical testing. Allele origin: germline.
Comment: The p.L558F variant (also known as c.1672C>T), located in coding exon 18 of the ERCC2 gene, results from a C to T substitution at nucleotide position 1672. The leucine at codon 558 is replaced by phenylalanine, an amino acid with highly similar properties. This amino acid position is conserved. In addition, the in silico prediction for this alteration is inconclusive. Since supporting evidence is limited at this time, the clinical significance of this alteration remains unclear.